The following is an entry in ClinVar:

ClinVar aggregate classification (germline): Uncertain significance (1 of 4 stars; one submission).

gnomAD v4.1: 1 of 1,614,120 alleles (0.000062%); highest among the groups gnomAD compares: Non-Finnish European, 0.000085%; no homozygotes.

Submission:

Labcorp Genetics (formerly Invitae), Labcorp
Classification: Uncertain significance. Last evaluated: 2022-09-23. Review status: criteria provided, single submitter. Criteria: Invitae Variant Classification Sherloc (09022015). Collection method: clinical testing. Allele origin: germline.
Comment: This variant has not been reported in the literature in individuals affected with DUOX2-related conditions. Advanced modeling of protein sequence and biophysical properties (such as structural, functional, and spatial information, amino acid conservation, physicochemical variation, residue mobility, and thermodynamic stability) performed at Invitae indicates that this missense variant is not expected to disrupt DUOX2 protein function. In summary, the available evidence is currently insufficient to determine the role of this variant in disease. Therefore, it has been classified as a Variant of Uncertain Significance. This variant is not present in population databases (gnomAD no frequency). This sequence change replaces arginine, which is basic and polar, with proline, which is neutral and non-polar, at codon 861 of the DUOX2 protein (p.Arg861Pro).

NM_001363711.2(DUOX2):c.2582G>C (p.Arg861Pro)

Gene: DUOX2 (dual oxidase 2; minus strand). Cytogenetic location: 15q21.1.
Variant type: single nucleotide variant.
Coding change: c.2582G>C on transcript NM_001363711.2 (MANE Select); coding-DNA position 2582, G replaced by C.
Protein change: p.Arg861Pro; replaces arginine 861 with proline.
Molecular consequence: missense variant.
Genome position (GRCh38, 1-based): chr15:45,104,032, C>G on the plus strand (G>C on the coding strand, the complement: DUOX2 is on the minus strand). VCF-style: chr15-45104032-C-G. GRCh37 (hg19) VCF-style: chr15-45396230-C-G.
Other names: c.2582G>C, p.Arg861Pro (NM_014080.5); short protein forms R861P.
Identifiers: ClinVar variation 1720170 (VCV001720170.5), dbSNP rs573487375, ClinGen allele CA392269052.
Genomic context (GRCh38, chr15:45,104,032, plus strand): 5'-AAGAATTCGTCCTTGGAGAGGAAGCCATTCTCATCCAGGTCATACATGGTAAACATTAGA[C>G]GGGACTTATCCTCTGGGGAGCCTGGGAAGAAAAAAGGGAATGCAGGTCATCTCCTTGCTG-3'
Protein context (NP_001350640.1, residues 851-871): FMKGSPEDKS[Arg861Pro]LMFTMYDLDE